The following is an entry in ClinVar:

NM_004329.3(BMPR1A):c.697C>T (p.Gln233Ter)

Gene: BMPR1A (bone morphogenetic protein receptor type 1A; plus strand). Cytogenetic location: 10q23.2.
Variant type: single nucleotide variant.
Coding change: c.697C>T on transcript NM_004329.3 (MANE Select); coding-DNA position 697, C replaced by T.
Protein change: p.Gln233Ter; replaces glutamine 233 with a stop codon.
Molecular consequence: nonsense.
Genome position (GRCh38, 1-based): chr10:86,917,155, C>T. VCF-style: chr10-86917155-C-T. GRCh37 (hg19) VCF-style: chr10-88676912-C-T.
Other names: short protein forms Q233*.
Identifiers: ClinVar variation 449463 (VCV000449463.13), dbSNP rs1554890743, ClinGen allele CA377457014.

ClinVar aggregate classification (germline): Pathogenic/Likely pathogenic. Review status: criteria provided, multiple submitters, no conflicts (2 of 4 stars). 3 submissions from 3 submitters: Pathogenic (2); Likely pathogenic (1). Last evaluated 2021-11-19.

Conditions:
Hereditary cancer-predisposing syndrome. Also called: Tumor predisposition; Hereditary Cancer Syndrome; Neoplastic Syndromes, Hereditary; Hereditary neoplastic syndrome. Identifiers: Orphanet 140162, MedGen C0027672, MeSH D009386, MONDO:0015356.
Juvenile polyposis syndrome (JPS). Identifiers: Orphanet 2929, MedGen C0345893, MONDO:0017380, OMIM 174900.

Submissions (3):

Labcorp Genetics (formerly Invitae), Labcorp
Classification: Pathogenic for Juvenile polyposis syndrome. Last evaluated: 2021-11-19. Review status: criteria provided, single submitter. Criteria: Invitae Variant Classification Sherloc (09022015). Collection method: clinical testing. Allele origin: germline.
Comment: For these reasons, this variant has been classified as Pathogenic. ClinVar contains an entry for this variant (Variation ID: 449463). This premature translational stop signal has been observed in individual(s) with gastrointestinal polyposis (PMID: 23399955). This variant is not present in population databases (gnomAD no frequency). This sequence change creates a premature translational stop signal (p.Gln233*) in the BMPR1A gene. It is expected to result in an absent or disrupted protein product. Loss-of-function variants in BMPR1A are known to be pathogenic (PMID: 11536076, 12417513).

Ambry Genetics
Classification: Pathogenic for Hereditary cancer-predisposing syndrome. Last evaluated: 2018-08-30. Review status: criteria provided, single submitter. Criteria: Ambry Variant Classification Scheme 2023. Collection method: clinical testing. Allele origin: germline.
Comment: The p.Q233* variant (also known as c.697C>T), located in coding exon 7 of the BMPR1A gene, results from a C to T substitution at nucleotide position 697. This changes the amino acid from a glutamine to a stop codon within coding exon 7. In addition to the clinical data presented in the literature, this alteration is expected to result in loss of function by premature protein truncation or nonsense-mediated mRNA decay. As such, this alteration is interpreted as a disease-causing mutation.

GeneDx
Classification: Likely pathogenic. Last evaluated: 2017-07-24. Review status: criteria provided, single submitter. Criteria: GeneDx Variant Classification (06012015). Collection method: clinical testing. Allele origin: germline. Affected: yes.
Comment: This variant is denoted BMPR1A c.697C>T at the cDNA level and p.Gln233Ter (Q233X) at the proteinlevel. The substitution creates a nonsense variant, which changes a Glutamine to a premature stop codon (CAG>TAG),and is predicted to cause loss of normal protein function through either protein truncation or nonsense-mediated mRNAdecay. This variant has been reported in at least one individual with juvenile polyps (Ngeow 2013) and is consideredlikely pathogenic

Literature cited by the submitters: PubMed 23399955 (cited by Labcorp Genetics (formerly Invitae), Labcorp and Ambry Genetics); PubMed 11536076 (cited by Labcorp Genetics (formerly Invitae), Labcorp); PubMed 12417513 (cited by Labcorp Genetics (formerly Invitae), Labcorp).